The following is an entry in ClinVar:

NM_000553.6(WRN):c.3214A>G (p.Lys1072Glu)

Gene: WRN (WRN RecQ like helicase; plus strand). Cytogenetic location: 8p12.
Variant type: single nucleotide variant.
Coding change: c.3214A>G on transcript NM_000553.6 (MANE Select); coding-DNA position 3214, A replaced by G.
Protein change: p.Lys1072Glu; replaces lysine 1072 with glutamic acid.
Molecular consequence: missense variant.
Genome position (GRCh38, 1-based): chr8:31,141,756, A>G. VCF-style: chr8-31141756-A-G. GRCh37 (hg19) VCF-style: chr8-30999272-A-G.
Other names: short protein forms K1072E.
Identifiers: ClinVar variation 648153 (VCV000648153.4), dbSNP rs1585515069, ClinGen allele CA370923157.
Genomic context (GRCh38, chr8:31,141,756, plus strand): 5'-CATAAAGCTAATACAGAATCTCAGAGCCTCATCCTTCAAGCTAATGAAGAATTGTGTCCA[A>G]AGAAGTTGCTTCTGCCTAGGTTCATTTTTCAGTTTTTTTCTTGTAACTTCTGCATTTTTT-3'
Protein context (NP_000544.2, residues 1062-1082): ILQANEELCP[Lys1072Glu]KLLLPSSKTV

ClinVar aggregate classification (germline): Uncertain significance (1 of 4 stars; one submission).

Conditions:
Werner syndrome (WRN). Identifiers: Orphanet 902, MedGen C0043119, MONDO:0010196, OMIM 277700.

Allele frequency attached by ClinVar (database versions not stated): TOPMed below 0.00001.
gnomAD v4.1: 2 of 1,614,078 alleles (0.00012%); highest among the groups gnomAD compares: Non-Finnish European, 0.00017%; no homozygotes.

Submission:

Labcorp Genetics (formerly Invitae), Labcorp
Classification: Uncertain significance for Werner syndrome. Last evaluated: 2021-03-02. Review status: criteria provided, single submitter. Criteria: Invitae Variant Classification Sherloc (09022015). Collection method: clinical testing. Allele origin: germline.
Comment: This variant has not been reported in the literature in individuals with WRN-related disease. This sequence change replaces lysine with glutamic acid at codon 1072 of the WRN protein (p.Lys1072Glu). The lysine residue is weakly conserved and there is a small physicochemical difference between lysine and glutamic acid. This variant is not present in population databases (ExAC no frequency). Algorithms developed to predict the effect of missense changes on protein structure and function (SIFT, PolyPhen-2, Align-GVGD) all suggest that this variant is likely to be tolerated, but these predictions have not been confirmed by published functional studies and their clinical significance is uncertain. In summary, the available evidence is currently insufficient to determine the role of this variant in disease. Therefore, it has been classified as a Variant of Uncertain Significance.